The following is an entry in ClinVar:

ClinVar aggregate classification (germline): Pathogenic (1 of 4 stars; one submission).

Conditions:
Muscular dystrophy-dystroglycanopathy (congenital with brain and eye anomalies), type A1 (MDDGA1). Also called: COD-MD SYNDROME; Hydrocephalus, agyria and retinal dysplasia; Hard +/- E syndrome; Warburg syndrome; Chemke syndrome; Pagon syndrome. Identifiers: Orphanet 588, Orphanet 899, MedGen C4284790, MONDO:0009364, OMIM 236670.

Allele frequency attached by ClinVar (database versions not stated): gnomAD exomes below 0.00001.

Submission:

Victorian Clinical Genetics Services, Murdoch Childrens Research Institute
Classification: Pathogenic for Muscular dystrophy-dystroglycanopathy (congenital with brain and eye anomalies), type A1. Last evaluated: 2023-07-17. Review status: criteria provided, single submitter. Criteria: ACMG Guidelines, 2015. Collection method: clinical testing. Allele origin: germline. Inheritance: Autosomal recessive inheritance. Affected: yes.
Comment: Based on the classification scheme VCGS_Germline_v1.3.4, this variant is classified as Pathogenic. Following criteria are met: 0102 - Loss of function is a known mechanism of disease in this gene and is associated with POMT1-related muscular dystrophy. (I) 0106 - This gene is associated with autosomal recessive disease. (I) 0201 - Variant is predicted to cause nonsense-mediated decay (NMD) and loss of protein (premature termination codon is located at least 54 nucleotides upstream of the final exon-exon junction). (SP) 0251 - This variant is heterozygous. (I) 0301 - Variant is absent from gnomAD (both v2 and v3). (SP) 0701 - Other NMD predicted variants comparable to the one identified in this case have very strong previous evidence for pathogenicity (DECIPHER). (SP) 0803 - This variant has limited previous evidence of pathogenicity in two unrelated individuals. This variant has been observed in a presumed compound heterozygous state in two individuals with limb girdle muscular dystrophy (PMID: 31311558). (SP) 0905 - No published segregation evidence has been identified for this variant. (I) 1007 - No published functional evidence has been identified for this variant. (I) 1102 - Strong phenotype match for this individual. (SP) 1208 - Inheritance information for this variant is not currently available in this individual. (I) Legend: (SP) - Supporting pathogenic, (I) - Information, (SB) - Supporting benign

Literature cited by the submitters: PubMed 31311558.

NM_001077365.2(POMT1):c.1390dup (p.Trp464fs)

Gene: POMT1 (protein O-mannosyltransferase 1; plus strand). Cytogenetic location: 9q34.13.
Variant type: Duplication.
Coding change: c.1390dup on transcript NM_001077365.2 (MANE Select); coding-DNA position 1390, one base duplicated (T; older notation c.1390dupT).
Protein change: p.Trp464fs; shifts the reading frame from tryptophan 464.
Molecular consequence: frameshift variant. On other transcripts: non-coding transcript variant (10), intron variant (1).
Genome position (GRCh38, 1-based): chr9:131,518,861, T duplicated. VCF-style (leftmost placement, unchanged base first): chr9-131518860-C-CT. GRCh37 (hg19) VCF-style: chr9-134394247-C-CT.
Other names: c.1228dup, p.Trp410fs (NM_001077366.2, NM_001353194.2); c.1390dup, p.Trp464fs (NM_001136113.2); c.1039dup, p.Trp347fs (NM_001136114.2, NM_001353195.2, NM_001374691.1 and 2 more transcripts); c.1456dup, p.Trp486fs (NM_001353193.2, NM_007171.4); c.1300dup, p.Trp434fs (NM_001353196.2); c.1294dup, p.Trp432fs (NM_001353197.2, NM_001353198.2); c.1105dup, p.Trp369fs (NM_001353199.2); c.934dup, p.Trp312fs (NM_001353200.2); and 4 more; short protein forms W312fs, W334fs, W347fs, W369fs, W410fs, W432fs, W434fs, W460fs.
Identifiers: ClinVar variation 3254639 (VCV003254639.1), dbSNP rs2539378110.